The following is an entry in ClinVar:

NM_005502.4(ABCA1):c.4439G>C (p.Gly1480Ala)

Gene: ABCA1 (ATP binding cassette subfamily A member 1; minus strand). Cytogenetic location: 9q31.1.
Variant type: single nucleotide variant.
Coding change: c.4439G>C on transcript NM_005502.4 (MANE Select); coding-DNA position 4439, G replaced by C.
Protein change: p.Gly1480Ala; replaces glycine 1480 with alanine.
Molecular consequence: missense variant.
Genome position (GRCh38, 1-based): chr9:104,806,266, C>G on the plus strand (G>C on the coding strand, the complement: ABCA1 is on the minus strand). VCF-style: chr9-104806266-C-G. GRCh37 (hg19) VCF-style: chr9-107568547-C-G.
Other names: short protein forms G1480A.
Identifiers: ClinVar variation 1740603 (VCV001740603.8), dbSNP rs779786833, ClinGen allele CA5168152.
Genomic context (GRCh38, chr9:104,806,266, plus strand): 5'-CCCTTCTGCCCAATCACCCCCTGAAAGTGACTCACTTGTGGAGGAGGCAGCCCCCCTGCC[C>G]CTGGGGGACACACAGGCAGCATCTTCTTGATTTTGTCGCTGCTACACTGGCATGCAGGTG-3'
Protein context (NP_005493.2, residues 1470-1490): IKKMLPVCPP[Gly1480Ala]AGGLPPPQRK

ClinVar aggregate classification (germline): Conflicting classifications of pathogenicity. Review status: criteria provided, conflicting classifications (1 of 4 stars). 3 submissions from 3 submitters: Uncertain significance (2); Likely benign (1). Last evaluated 2025-11-03.

Conditions:
Cardiovascular phenotype. Identifiers: MedGen CN230736.

Allele frequency attached by ClinVar (database versions not stated): ExAC 0.00001; gnomAD 0.00001; gnomAD exomes 0.00001.
gnomAD v4.1: 9 of 1,613,460 alleles (0.00056%); highest among the groups gnomAD compares: African/African-American, 0.0013%; no homozygotes.

Submissions (3):

Labcorp Genetics (formerly Invitae), Labcorp
Classification: Likely benign. Last evaluated: 2025-11-03. Review status: criteria provided, single submitter. Criteria: Invitae Variant Classification Sherloc (09022015). Collection method: clinical testing. Allele origin: germline.

GeneDx
Classification: Uncertain significance. Last evaluated: 2023-03-01. Review status: criteria provided, single submitter. Criteria: GeneDx Variant Classification Process June 2021. Collection method: clinical testing. Allele origin: germline. Affected: yes.
Comment: Not observed at significant frequency in large population cohorts (gnomAD); In silico analysis supports that this missense variant has a deleterious effect on protein structure/function; Has not been previously published as pathogenic or benign to our knowledge

Ambry Genetics
Classification: Uncertain significance for Cardiovascular phenotype. Last evaluated: 2021-08-31. Review status: criteria provided, single submitter. Criteria: Ambry Variant Classification Scheme 2023. Collection method: clinical testing. Allele origin: germline.
Comment: The p.G1480A variant (also known as c.4439G>C), located in coding exon 30 of the ABCA1 gene, results from a G to C substitution at nucleotide position 4439. The glycine at codon 1480 is replaced by alanine, an amino acid with similar properties. This amino acid position is conserved. In addition, this alteration is predicted to be deleterious by in silico analysis. Since supporting evidence is limited at this time, the clinical significance of this alteration remains unclear.